The following is an entry in ClinVar:

NM_001042492.3(NF1):c.851T>C (p.Ile284Thr)

Gene: NF1 (neurofibromin 1; plus strand). Cytogenetic location: 17q11.2.
Variant type: single nucleotide variant.
Coding change: c.851T>C on transcript NM_001042492.3 (MANE Select); coding-DNA position 851, T replaced by C.
Protein change: p.Ile284Thr; replaces isoleucine 284 with threonine.
Molecular consequence: missense variant.
Genome position (GRCh38, 1-based): chr17:31,182,628, T>C. VCF-style: chr17-31182628-T-C. GRCh37 (hg19) VCF-style: chr17-29509646-T-C.
Other names: c.851T>C, p.Ile284Thr (NM_000267.4, NM_001128147.3); short protein forms I284T.
Identifiers: ClinVar variation 862916 (VCV000862916.7), dbSNP rs2066158910, ClinGen allele CA398991130.

ClinVar aggregate classification (germline): Uncertain significance. Review status: criteria provided, multiple submitters, no conflicts (2 of 4 stars). 2 submissions from 2 submitters: Uncertain significance (2). Last evaluated 2025-04-08.

Conditions:
Neurofibromatosis, type 1 (NF1). Also called: Neurofibromatosis, type I; VON RECKLINGHAUSEN DISEASE; Peripheral type neurofibromatosis; NEUROFIBROMATOSIS, TYPE I, SOMATIC. Identifiers: Orphanet 636, MedGen C0027831, MONDO:0018975, OMIM 162200. Disease mechanism: loss of function.
Hereditary cancer-predisposing syndrome. Also called: Tumor predisposition; Hereditary Cancer Syndrome; Neoplastic Syndromes, Hereditary; Hereditary neoplastic syndrome. Identifiers: Orphanet 140162, MedGen C0027672, MeSH D009386, MONDO:0015356.
Cardiovascular phenotype. Identifiers: MedGen CN230736.

Submissions (2):

Labcorp Genetics (formerly Invitae), Labcorp
Classification: Uncertain significance for Neurofibromatosis, type 1. Last evaluated: 2025-04-08. Review status: criteria provided, single submitter. Criteria: Invitae Variant Classification Sherloc (09022015). Collection method: clinical testing. Allele origin: germline.
Comment: This sequence change replaces isoleucine, which is neutral and non-polar, with threonine, which is neutral and polar, at codon 284 of the NF1 protein (p.Ile284Thr). This variant is not present in population databases (gnomAD no frequency). This variant has not been reported in the literature in individuals affected with NF1-related conditions. ClinVar contains an entry for this variant (Variation ID: 862916). Invitae Evidence Modeling of protein sequence and biophysical properties (such as structural, functional, and spatial information, amino acid conservation, physicochemical variation, residue mobility, and thermodynamic stability) has been performed for this missense variant. However, the output from this modeling did not meet the statistical confidence thresholds required to predict the impact of this variant on NF1 protein function. In summary, the available evidence is currently insufficient to determine the role of this variant in disease. Therefore, it has been classified as a Variant of Uncertain Significance.

Ambry Genetics
Classification: Uncertain significance for Cardiovascular phenotype; Hereditary cancer-predisposing syndrome. Last evaluated: 2024-12-07. Review status: criteria provided, single submitter. Criteria: Ambry Variant Classification Scheme 2023. Collection method: clinical testing. Allele origin: germline.
Comment: The p.I284T variant (also known as c.851T>C), located in coding exon 8 of the NF1 gene, results from a T to C substitution at nucleotide position 851. The isoleucine at codon 284 is replaced by threonine, an amino acid with similar properties. This amino acid position is conserved. In addition, this alteration is predicted to be deleterious by in silico analysis. Based on the available evidence, the clinical significance of this variant remains unclear.